The following is an entry in ClinVar:

NM_000393.5(COL5A2):c.1776G>A (p.Ala592=)

Gene: COL5A2 (collagen type V alpha 2 chain; minus strand). Cytogenetic location: 2q32.2.
Variant type: single nucleotide variant.
Coding change: c.1776G>A on transcript NM_000393.5 (MANE Select); coding-DNA position 1776, G replaced by A.
Protein change: p.Ala592=; no amino-acid change (alanine 592 retained).
Molecular consequence: synonymous variant.
Genome position (GRCh38, 1-based): chr2:189,063,265, C>T on the plus strand (G>A on the coding strand, the complement: COL5A2 is on the minus strand). VCF-style: chr2-189063265-C-T. GRCh37 (hg19) VCF-style: chr2-189927991-C-T.
Identifiers: ClinVar variation 508176 (VCV000508176.24), dbSNP rs773332771, ClinGen allele CA62601222.
Genomic context (GRCh38, chr2:189,063,265, plus strand): 5'-CCCGGGCTGCCCTCTGATTCCTATGGAGCCTGGAGGACCTGGACGGCCATCTTCCCCTGG[C>T]GCACCCTATAGAATTGACAGGAGCCATGTAAGTTTCATGTAAGTTGTTTCTAAACATAGC-3'
Protein context (NP_000384.2, residues 582-602): GPEGKLGPLG[Ala592=]PGEDGRPGPP

ClinVar aggregate classification (germline): Likely benign. Review status: criteria provided, multiple submitters, no conflicts (2 of 4 stars). 4 submissions from 4 submitters: Likely benign (4). Last evaluated 2025-04-01.

Conditions:
Familial thoracic aortic aneurysm and aortic dissection (TAAD). Also called: Thoracic aortic aneurysms and dissections. Identifiers: Orphanet 91387, MedGen C4707243, MONDO:0019625.
Ehlers-Danlos syndrome, classic type, 1 (EDSCL1). Also called: Ehlers-Danlos Syndrome, Classic Type, COL5A1-Related; EDS I; Ehlers-Danlos syndrome, type 1; EHLERS-DANLOS SYNDROME, GRAVIS TYPE; EHLERS-DANLOS SYNDROME, SEVERE CLASSIC TYPE. Identifiers: MedGen C0268335, MONDO:0019567, OMIM 130000.

Allele frequency attached by ClinVar (database versions not stated): gnomAD 0.00005 and 0.00006; TOPMed 0.00005.
gnomAD v4.1: 27 of 1,613,474 alleles (0.0017%); highest among the groups gnomAD compares: African/African-American, 0.0027%; no homozygotes.

Submissions (4):

CeGaT Center for Human Genetics Tuebingen
Classification: Likely benign. Last evaluated: 2025-04-01. Review status: criteria provided, single submitter. Criteria: CeGaT Center For Human Genetics Tuebingen Variant Classification Criteria Version 2. Collection method: clinical testing. Allele origin: germline. Affected: yes. Observed: 1 variant allele.
Comment: COL5A2: BP4, BP7

Labcorp Genetics (formerly Invitae), Labcorp
Classification: Likely benign for Ehlers-Danlos syndrome, classic type, 1. Last evaluated: 2025-03-01. Review status: criteria provided, single submitter. Criteria: Invitae Variant Classification Sherloc (09022015). Collection method: clinical testing. Allele origin: germline.

GeneDx
Classification: Likely benign. Last evaluated: 2017-06-26. Review status: criteria provided, single submitter. Criteria: GeneDx Variant Classification (06012015). Collection method: clinical testing. Allele origin: germline. Affected: yes.
Comment: This variant is considered likely benign or benign based on one or more of the following criteria: it is a conservative change, it occurs at a poorly conserved position in the protein, it is predicted to be benign by multiple in silico algorithms, and/or has population frequency not consistent with disease.

Ambry Genetics
Classification: Likely benign for Familial thoracic aortic aneurysm and aortic dissection. Last evaluated: 2016-02-06. Review status: criteria provided, single submitter. Criteria: Ambry Variant Classification Scheme 2023. Collection method: clinical testing. Allele origin: germline.